The following is an entry in ClinVar:

NM_198576.4(AGRN):c.4055G>A (p.Gly1352Asp)

Gene: AGRN (agrin; plus strand). Cytogenetic location: 1p36.33.
Variant type: single nucleotide variant.
Coding change: c.4055G>A on transcript NM_198576.4 (MANE Select); coding-DNA position 4055, G replaced by A.
Protein change: p.Gly1352Asp; replaces glycine 1352 with aspartic acid.
Molecular consequence: missense variant.
Genome position (GRCh38, 1-based): chr1:1,048,315, G>A. VCF-style: chr1-1048315-G-A. GRCh37 (hg19) VCF-style: chr1-983695-G-A.
Other names: c.4055G>A, p.Gly1352Asp (NM_001305275.2); c.3740G>A, p.Gly1247Asp (NM_001364727.2); short protein forms G1247D, G1352D.
Identifiers: ClinVar variation 705418 (VCV000705418.12), dbSNP rs200612540, ClinGen allele CA509304.

ClinVar aggregate classification (germline): Likely benign. Review status: criteria provided, single submitter (1 of 4 stars). 2 submissions from 2 submitters: Likely benign (1). 1 of the submissions does not count toward it. Last evaluated 2025-10-17.

Conditions:
Congenital myasthenic syndrome 8. Also called: MYASTHENIC SYNDROME, CONGENITAL, DUE TO AGRIN DEFICIENCY; Myasthenic syndrome, congenital, 8, with pre- and postsynaptic defects. Identifiers: Orphanet 590, MedGen C3808739, MONDO:0014052, OMIM 615120.
AGRN-related disorder. Also called: AGRN-related condition.

Allele frequency attached by ClinVar (database versions not stated): gnomAD 0.00014 and 0.00023; gnomAD exomes 0.00022 and 0.00094; TOPMed 0.00035; 1000 Genomes Project 0.00160; 1000 Genomes Project 30x 0.00172; ExAC 0.00183.
gnomAD v4.1: 334 of 1,487,112 alleles (0.022%); highest among the groups gnomAD compares: East Asian, 0.67%; 3 homozygotes.

Submissions (2):

Labcorp Genetics (formerly Invitae), Labcorp
Classification: Likely benign for Congenital myasthenic syndrome 8. Last evaluated: 2025-10-17. Review status: criteria provided, single submitter. Criteria: Invitae Variant Classification Sherloc (09022015). Collection method: clinical testing. Allele origin: germline.

PreventionGenetics, part of Exact Sciences
Classification: Benign for AGRN-related condition. Last evaluated: 2020-03-25. Review status: no assertion criteria provided. Collection method: clinical testing. Allele origin: germline. Not counted in ClinVar's aggregate classification.
Comment: This variant is classified as benign based on ACMG/AMP sequence variant interpretation guidelines (Richards et al. 2015 PMID: 25741868, with internal and published modifications).